The following is an entry in ClinVar:

NM_000275.3(OCA2):c.822G>A (p.Trp274Ter)

Gene: OCA2 (OCA2 melanosomal transmembrane protein; minus strand). Cytogenetic location: 15q13.1.
Variant type: single nucleotide variant.
Coding change: c.822G>A on transcript NM_000275.3 (MANE Select); coding-DNA position 822, G replaced by A.
Protein change: p.Trp274Ter; replaces tryptophan 274 with a stop codon.
Molecular consequence: nonsense.
Genome position (GRCh38, 1-based): chr15:28,016,172, C>T on the plus strand (G>A on the coding strand, the complement: OCA2 is on the minus strand). VCF-style: chr15-28016172-C-T. GRCh37 (hg19) VCF-style: chr15-28261318-C-T.
Other names: c.822G>A, p.Trp274Ter (NM_001300984.2); short protein forms W274*.
Identifiers: ClinVar variation 4722331 (VCV004722331.1).

ClinVar aggregate classification (germline): Pathogenic (1 of 4 stars; one submission).

gnomAD v4.1: 1 of 1,614,002 alleles (0.000062%); highest among the groups gnomAD compares: Non-Finnish European, 0.000085%; no homozygotes.

Submission:

Labcorp Genetics (formerly Invitae), Labcorp
Classification: Pathogenic. Last evaluated: 2025-06-29. Review status: criteria provided, single submitter. Criteria: Invitae Variant Classification Sherloc (09022015). Collection method: clinical testing. Allele origin: germline.
Comment: This sequence change creates a premature translational stop signal (p.Trp274*) in the OCA2 gene. It is expected to result in an absent or disrupted protein product. Loss-of-function variants in OCA2 are known to be pathogenic (PMID: 19865097, 21541274). This variant is not present in population databases (gnomAD no frequency). This variant has not been reported in the literature in individuals affected with OCA2-related conditions. For these reasons, this variant has been classified as Pathogenic.

Literature cited by the submitters: PubMed 19865097; PubMed 21541274.